The following is an entry in ClinVar:

ClinVar aggregate classification (germline): Uncertain significance (1 of 4 stars; one submission).

Conditions:
Long QT syndrome (LQTS). Identifiers: MedGen C0023976, MeSH D008133, MONDO:0002442. Disease mechanism: loss of function. Inheritance: Various modes of inheritance.

Submission:

Labcorp Genetics (formerly Invitae), Labcorp
Classification: Uncertain significance for Long QT syndrome. Last evaluated: 2025-01-27. Review status: criteria provided, single submitter. Criteria: Invitae Variant Classification Sherloc (09022015). Collection method: clinical testing. Allele origin: germline.
Comment: This sequence change replaces isoleucine, which is neutral and non-polar, with threonine, which is neutral and polar, at codon 343 of the CACNA1C protein (p.Ile343Thr). This variant is not present in population databases (gnomAD no frequency). This variant has not been reported in the literature in individuals affected with CACNA1C-related conditions. Invitae Evidence Modeling of protein sequence and biophysical properties (such as structural, functional, and spatial information, amino acid conservation, physicochemical variation, residue mobility, and thermodynamic stability) indicates that this missense variant is expected to disrupt CACNA1C protein function with a positive predictive value of 95%. In summary, the available evidence is currently insufficient to determine the role of this variant in disease. Therefore, it has been classified as a Variant of Uncertain Significance.

NM_000719.7(CACNA1C):c.1028T>C (p.Ile343Thr)

Gene: CACNA1C (calcium voltage-gated channel subunit alpha1 C; plus strand). Cytogenetic location: 12p13.33.
Variant type: single nucleotide variant.
Coding change: c.1028T>C on transcript NM_000719.7 (MANE Select); coding-DNA position 1028, T replaced by C.
Protein change: p.Ile343Thr; replaces isoleucine 343 with threonine.
Molecular consequence: missense variant.
Genome position (GRCh38, 1-based): chr12:2,493,301, T>C. VCF-style: chr12-2493301-T-C. GRCh37 (hg19) VCF-style: chr12-2602467-T-C.
Other names: c.1028T>C, p.Ile343Thr (NM_001129834.2, NM_001129835.2, NM_001129836.2 and 18 more transcripts); c.1019T>C, p.Ile340Thr (NM_001129844.2); short protein forms I340T, I343T.
Identifiers: ClinVar variation 3613125 (VCV003613125.2).
Genomic context (GRCh38, chr12:2,493,301, plus strand): 5'-GGCGGCAGTGCCAGAACGGCACGGTGTGCAAGCCCGGCTGGGATGGTCCCAAGCACGGCA[T>C]CACCAACTTTGACAACTTTGCCTTCGCCATGCTCACGGTGTTCCAGTGCATCACCATGGA-3'
Protein context (NP_000710.5, residues 333-353): KPGWDGPKHG[Ile343Thr]TNFDNFAFAM